The following is an entry in ClinVar:

NM_001349338.3(FOXP1):c.972delA (p.Lys325fs)

Gene: FOXP1 (forkhead box P1; minus strand). Cytogenetic location: 3p13.
Variant type: Deletion.
Coding change: c.972delA on transcript NM_001349338.3 (MANE Select); coding-DNA position 972, one base deleted (A).
Protein change: p.Lys325fs; shifts the reading frame from lysine 325.
Molecular consequence: frameshift variant. On other transcripts: non-coding transcript variant (2).
Genome position (GRCh38, 1-based): chr3:71,015,549, T deleted on the plus strand (A on the coding strand, the reverse complement: FOXP1 is on the minus strand); the first of 3 consecutive T bases (chr3:71,015,549-71,015,551); deleting any one gives the same sequence. VCF-style (leftmost placement, unchanged base first): chr3-71015548-CT-C. GRCh37 (hg19) VCF-style: chr3-71064699-CT-C.
Other names: c.972delA, p.Lys325fs (NM_001244808.3, NM_001244810.2, NM_001244814.3 and 3 more transcripts); c.744delA, p.Lys249fs (NM_001244812.3); c.672delA, p.Lys225fs (NM_001244813.3, NM_001244815.2, NM_001349342.3 and 1 more transcripts); c.669delA, p.Lys224fs (NM_001349337.2, NM_001349343.3, NM_001349344.3); c.972delA, p.Lys325Asnfs (NM_001349339.1); c.969delA, p.Lys324fs (NM_001349341.3); short protein forms K224fs, K225fs, K249fs, K324fs, K325fs.
Identifiers: ClinVar variation 2672944 (VCV002672944.23), dbSNP rs2545542261, ClinGen allele CA2695197933.

ClinVar aggregate classification (germline): Pathogenic (1 of 4 stars; one submission).

Submission:

CeGaT Center for Human Genetics Tuebingen
Classification: Pathogenic. Last evaluated: 2023-12-01. Review status: criteria provided, single submitter. Criteria: CeGaT Center For Human Genetics Tuebingen Variant Classification Criteria Version 2. Collection method: clinical testing. Allele origin: germline. Affected: yes. Observed: 1 variant allele.
Comment: FOXP1: PVS1, PM2, PS2:Moderate